The following is an entry in ClinVar:

ClinVar aggregate classification (germline): Uncertain significance. Review status: criteria provided, single submitter (1 of 4 stars). 2 submissions from 2 submitters: Uncertain significance (1). 1 of the submissions does not count toward it. Last evaluated 2022-03-30.

Allele frequency attached by ClinVar (database versions not stated): gnomAD exomes below 0.00001 and 0.00001; TOPMed below 0.00001.
gnomAD v4.1: 5 of 1,549,224 alleles (0.00032%); highest among the groups gnomAD compares: Middle Eastern, 0.017%; no homozygotes.

Submissions (2):

Labcorp Genetics (formerly Invitae), Labcorp
Classification: Uncertain significance. Last evaluated: 2022-03-30. Review status: criteria provided, single submitter. Criteria: Invitae Variant Classification Sherloc (09022015). Collection method: clinical testing. Allele origin: germline.
Comment: This sequence change replaces serine, which is neutral and polar, with asparagine, which is neutral and polar, at codon 2642 of the ZNF469 protein (p.Ser2642Asn). This variant is present in population databases (no rsID available, gnomAD 0.002%). This variant has not been reported in the literature in individuals affected with ZNF469-related conditions. ClinVar contains an entry for this variant (Variation ID: 1049851). Algorithms developed to predict the effect of missense changes on protein structure and function output the following: SIFT: "Tolerated"; PolyPhen-2: "Benign"; Align-GVGD: "Class C0". The asparagine amino acid residue is found in multiple mammalian species, which suggests that this missense change does not adversely affect protein function. In summary, the available evidence is currently insufficient to determine the role of this variant in disease. Therefore, it has been classified as a Variant of Uncertain Significance.

Department of Pathology and Laboratory Medicine, Sinai Health System
Classification: Uncertain significance. Review status: no assertion criteria provided. Collection method: clinical testing. Allele origin: unknown. Affected: yes. Study: The Canadian Open Genetics Repository (COGR). Not counted in ClinVar's aggregate classification.
Comment: The ZNF469 p.Ser2670Asn variant was not identified in the literature nor was it identified in ClinVar. The variant was identified in dbSNP (ID: rs1403530482) and in control databases in 1 of 151462 chromosomes at a frequency of 0.000006602 (Genome Aggregation Database March 6, 2019, v2.1.1). The variant was observed in the European (non-Finnish) population in 1 of 58924 chromosomes (freq: 0.000017), but was not observed in the African, Latino, Ashkenazi Jewish, East Asian, European (Finnish), Other, or South Asian populations. The p.Ser2670 residue is not conserved in mammals and computational analyses (PolyPhen-2, SIFT, AlignGVGD, BLOSUM, MutationTaster) do not suggest a high likelihood of impact to the protein; however, this information is not predictive enough to rule out pathogenicity. The variant occurs outside of the splicing consensus sequence and 2 of 4 in silico or computational prediction software programs (SpliceSiteFinder, MaxEntScan, NNSPLICE, GeneSplicer) predict a greater than 10% difference in splicing; this is not very predictive of pathogenicity. In summary, based on the above information the clinical significance of this variant cannot be determined with certainty at this time. This variant is classified as a variant of uncertain significance.

NM_001367624.2(ZNF469):c.8009G>A (p.Ser2670Asn)

Gene: ZNF469 (zinc finger protein 469; plus strand). Cytogenetic location: 16q24.2.
Variant type: single nucleotide variant.
Coding change: c.8009G>A on transcript NM_001367624.2 (MANE Select); coding-DNA position 8009, G replaced by A.
Protein change: p.Ser2670Asn; replaces serine 2670 with asparagine.
Molecular consequence: missense variant.
Genome position (GRCh38, 1-based): chr16:88,435,479, G>A. VCF-style: chr16-88435479-G-A. GRCh37 (hg19) VCF-style: chr16-88501887-G-A.
Other names: short protein forms S2670N.
Identifiers: ClinVar variation 1049851 (VCV001049851.3), dbSNP rs1403530482, ClinGen allele CA397115611.
Genomic context (GRCh38, chr16:88,435,479, plus strand): 5'-CAGTCTCTGCTGATGTGATTTCAGATGGGCGCGGCTCCAGACCATCCCCTGCAATGGCCA[G>A]TTACGCAGCCTCTCCGAGCCACTGCCTCTCTGTGGAAGGAGGGCCTGAGGCTGACGGGGA-3'
Protein context (NP_001354553.1, residues 2660-2680): RGSRPSPAMA[Ser2670Asn]YAASPSHCLS